The following is an entry in ClinVar:

NM_004006.3(DMD):c.10889G>A (p.Arg3630Gln)

Gene: DMD (dystrophin; minus strand). Cytogenetic location: Xp21.2.
Variant type: single nucleotide variant.
Coding change: c.10889G>A on transcript NM_004006.3 (MANE Select); coding-DNA position 10889, G replaced by A.
Protein change: p.Arg3630Gln; replaces arginine 3630 with glutamine.
Molecular consequence: missense variant.
Genome position (GRCh38, 1-based): chrX:31,146,323, C>T on the plus strand (G>A on the coding strand, the complement: DMD is on the minus strand). VCF-style: chrX-31146323-C-T. GRCh37 (hg19) VCF-style: chrX-31164440-C-T.
Other names: c.10865G>A, p.Arg3622Gln (NM_000109.4); c.10877G>A, p.Arg3626Gln (NM_004009.3); c.10520G>A, p.Arg3507Gln (NM_004010.3); c.6866G>A, p.Arg2289Gln (NM_004011.4); c.6857G>A, p.Arg2286Gln (NM_004012.4); c.3509G>A, p.Arg1170Gln (NM_004013.3, NM_004021.3); c.2702G>A, p.Arg901Gln (NM_004014.3); c.1685G>A, p.Arg562Gln (NM_004015.3, NM_004016.3); and 3 more; short protein forms R3630Q, R2286Q, R3626Q, R549Q, R1157Q, R1170Q, R1060Q, R562Q.
Identifiers: ClinVar variation 386803 (VCV000386803.17), dbSNP rs1057522606, ClinGen allele CA16609174.

ClinVar aggregate classification (germline): Conflicting classifications of pathogenicity. Review status: criteria provided, conflicting classifications (1 of 4 stars). 6 submissions from 6 submitters: Uncertain significance (4); Likely benign (2). Last evaluated 2025-12-09.

Conditions:
Cardiovascular phenotype. Identifiers: MedGen CN230736.
Duchenne muscular dystrophy (DMD). Also called: MUSCULAR DYSTROPHY, PSEUDOHYPERTROPHIC PROGRESSIVE, DUCHENNE TYPE; Duchenne Muscular Dystrophy (DMD). Identifiers: Orphanet 98896, MedGen C0013264, MONDO:0010679, OMIM 310200.

Allele frequency attached by ClinVar (database versions not stated): gnomAD exomes 0.00001; gnomAD 0.00002; TOPMed 0.00003.
gnomAD v4.1: 8 of 1,209,282 alleles (0.00066%); highest among the groups gnomAD compares: Non-Finnish European, 0.00089%; no homozygotes.

Submissions (6):

Labcorp Genetics (formerly Invitae), Labcorp
Classification: Likely benign for Duchenne muscular dystrophy. Last evaluated: 2025-12-09. Review status: criteria provided, single submitter. Criteria: Invitae Variant Classification Sherloc (09022015). Collection method: clinical testing. Allele origin: germline.

Ambry Genetics
Classification: Uncertain significance for Cardiovascular phenotype. Last evaluated: 2025-02-10. Review status: criteria provided, single submitter. Criteria: Ambry Variant Classification Scheme 2023. Collection method: clinical testing. Allele origin: germline.
Comment: The p.R3630Q variant (also known as c.10889G>A), located in coding exon 76 of the DMD gene, results from a G to A substitution at nucleotide position 10889. The arginine at codon 3630 is replaced by glutamine, an amino acid with highly similar properties. This variant has been reported in a Duchenne muscular dystrophy and Becker muscular dystrophy cohort (Ge L et al. Open Med (Wars), 2024 Nov;19:20240916). Based on data from gnomAD, the A allele has an overall frequency of <0.01% (1/183173) total alleles studied, with 1 hemizygote(s) observed. The highest observed frequency was <0.01% (1/81718) of European (non-Finnish) alleles. This amino acid position is highly conserved in available vertebrate species. In addition, the in silico prediction for this alteration is inconclusive. Since supporting evidence is limited at this time, the clinical significance of this alteration remains unclear.

Victorian Clinical Genetics Services, Murdoch Childrens Research Institute
Classification: Uncertain significance for Duchenne muscular dystrophy. Last evaluated: 2022-03-31. Review status: criteria provided, single submitter. Criteria: ACMG Guidelines, 2015. Collection method: clinical testing. Allele origin: germline.
Comment: Based on the classification scheme VCGS_Germline_v1.3.4, this variant is classified as VUS-3C. Following criteria are met: 0102 - Loss of function is a known mechanism of disease in this gene and is associated with Becker muscular dystrophy (MIM#300376), Duchenne muscular dystrophy (MIM#310200) and dilated cardiomyopathy 3B (DCM; MIM#302045). (I) 0109 - This gene is associated with X-linked recessive disease. This gene is primarily associated with X-linked recessive disease relating to the muscular dystrophy phenotypes, however it is also associated with X-linked dominant DCM (OMIM, PMID: 26066469). (I) 0200 - Variant is predicted to result in a missense amino acid change from arginine to glutamine. (I) 0251 - This variant is heterozygous. (I) 0304 - Variant is present in gnomAD <0.01 for a recessive condition (v2: 0 heterozygotes, 0 homozygotes, 1 hemizygote; v3: 2 heterozygotes, 0 homozygotes, 0 hemizygotes). (SP) 0502 - Missense variant with conflicting in silico predictions and uninformative conservation. (I) 0604 - Variant is not located in an established domain, motif, hotspot or informative constraint region. (I) 0705 - No comparable missense variants have previous evidence for pathogenicity. (I) 0808 - Previous reports of pathogenicity for this variant are conflicting. It has been reported both as likely benign and VUS in ClinVar. (I) 0905 - No published segregation evidence has been identified for this variant. (I) 1007 - No published functional evidence has been identified for this variant. (I) 1208 - Inheritance information for this variant is not currently available in this individual. (I) Legend: (SP) - Supporting pathogenic, (I) - Information, (SB) - Supporting benign

Revvity Omics, Revvity
Classification: Uncertain significance. Last evaluated: 2020-12-22. Review status: criteria provided, single submitter. Criteria: ACMG Guidelines, 2015. Collection method: clinical testing. Allele origin: germline.

GeneDx
Classification: Likely benign. Last evaluated: 2017-11-27. Review status: criteria provided, single submitter. Criteria: GeneDx Variant Classification (06012015). Collection method: clinical testing. Allele origin: germline. Affected: yes.
Comment: This variant is considered likely benign or benign based on one or more of the following criteria: it is a conservative change, it occurs at a poorly conserved position in the protein, it is predicted to be benign by multiple in silico algorithms, and/or has population frequency not consistent with disease.

Stanford Center for Inherited Cardiovascular Disease, Stanford University
Classification: Uncertain significance. Last evaluated: 2017-02-17. Review status: criteria provided, single submitter. Criteria: ACMG Guidelines, 2015. Collection method: provider interpretation. Allele origin: germline.

Literature cited by the submitters: PubMed 39588385 (cited by Ambry Genetics); PubMed 26066469 (cited by Victorian Clinical Genetics Services, Murdoch Childrens Research Institute).